The following is an entry in ClinVar:

NM_001018116.2(CAVIN4):c.1005C>T (p.Pro335=)

Gene: CAVIN4 (caveolae associated protein 4; plus strand). Cytogenetic location: 9q31.1.
Variant type: single nucleotide variant.
Coding change: c.1005C>T on transcript NM_001018116.2 (MANE Select); coding-DNA position 1005, C replaced by T.
Protein change: p.Pro335=; no amino-acid change (proline 335 retained).
Molecular consequence: synonymous variant.
Genome position (GRCh38, 1-based): chr9:100,586,361, C>T. VCF-style: chr9-100586361-C-T. GRCh37 (hg19) VCF-style: chr9-103348643-C-T.
Identifiers: ClinVar variation 227556 (VCV000227556.4), dbSNP rs565406194, ClinGen allele CA10576740.

ClinVar aggregate classification (germline): Likely benign. Review status: criteria provided, multiple submitters, no conflicts (2 of 4 stars). 2 submissions from 2 submitters: Likely benign (2). Last evaluated 2017-06-01.

Allele frequency attached by ClinVar (database versions not stated): gnomAD 0.00002; gnomAD exomes 0.00001; TOPMed 0.00001.
gnomAD v4.1: 19 of 1,613,946 alleles (0.0012%); highest among the groups gnomAD compares: Non-Finnish European, 0.0016%; no homozygotes.

Submissions (2):

GeneDx
Classification: Likely benign. Last evaluated: 2017-06-01. Review status: criteria provided, single submitter. Criteria: GeneDx Variant Classification (06012015). Collection method: clinical testing. Allele origin: germline. Affected: yes.
Comment: This variant is considered likely benign or benign based on one or more of the following criteria: it is a conservative change, it occurs at a poorly conserved position in the protein, it is predicted to be benign by multiple in silico algorithms, and/or has population frequency not consistent with disease.

Laboratory for Molecular Medicine, Mass General Brigham Personalized Medicine
Classification: Likely benign. Last evaluated: 2015-05-06. Review status: criteria provided, single submitter. Criteria: LMM Criteria. Collection method: clinical testing. Allele origin: germline. Observed: 1 variant allele.
Comment: p.Pro335Pro in exon 2 of MURC: This variant is not expected to have clinical sig nificance because it does not alter an amino acid residue and is not located wit hin the splice consensus sequence.